The following is an entry in ClinVar:

NM_001458.5(FLNC):c.7660del (p.Glu2554fs)

Genes: FLNC-AS1 (FLNC antisense RNA 1; minus strand), FLNC (filamin C; plus strand). Cytogenetic location: 7q32.1.
Variant type: Deletion.
Coding change: c.7660del on transcript NM_001458.5 (MANE Select); coding-DNA position 7660, one base deleted (G; older notation c.7660delG).
Protein change: p.Glu2554fs; shifts the reading frame from glutamic acid 2554.
Molecular consequence: frameshift variant.
Genome position (GRCh38, 1-based): chr7:128,857,216, G deleted; the last of 3 consecutive G bases (chr7:128,857,214-128,857,216); deleting any one gives the same sequence. VCF-style (leftmost placement, unchanged base first): chr7-128857213-CG-C. GRCh37 (hg19) VCF-style: chr7-128497267-CG-C.
Other names: c.7561del, p.Glu2521fs (NM_001127487.2); short protein forms E2554fs, E2521fs.
Identifiers: ClinVar variation 862793 (VCV000862793.8), dbSNP rs1809103569, ClinGen allele CA916082327.

ClinVar aggregate classification (germline): Pathogenic (1 of 4 stars; one submission).

Conditions:
Myofibrillar myopathy 5. Also called: Filaminopathy (type); FILAMINOPATHY, AUTOSOMAL DOMINANT. Identifiers: Orphanet 171445, MedGen C1836050, MONDO:0012289, OMIM 609524.
Distal myopathy with posterior leg and anterior hand involvement. Also called: WILLIAMS DISTAL MYOPATHY. Identifiers: Orphanet 63273, MedGen C3279722, MONDO:0013550, OMIM 614065.
Hypertrophic cardiomyopathy 26. Also called: Cardiomyopathy, familial hypertrophic, 26. Identifiers: Orphanet 75249, MedGen C4310749, MONDO:0014883, OMIM 617047.

Submission:

Labcorp Genetics (formerly Invitae), Labcorp
Classification: Pathogenic for Distal myopathy with posterior leg and anterior hand involvement; Myofibrillar myopathy 5; Hypertrophic cardiomyopathy 26. Last evaluated: 2025-12-09. Review status: criteria provided, single submitter. Criteria: Invitae Variant Classification Sherloc (09022015). Collection method: clinical testing. Allele origin: germline.
Comment: This sequence change creates a premature translational stop signal (p.Glu2554Serfs*61) in the FLNC gene. It is expected to result in an absent or disrupted protein product. Loss-of-function variants in FLNC are known to be pathogenic (PMID: 27908349). This variant is not present in population databases (gnomAD no frequency). This variant has not been reported in the literature in individuals affected with FLNC-related conditions. ClinVar contains an entry for this variant (Variation ID: 862793). For these reasons, this variant has been classified as Pathogenic.

Literature cited by the submitters: PubMed 27908349.